The following is an entry in ClinVar:

NM_002036.4(ACKR1):c.938G>T (p.Arg313Leu)

Gene: ACKR1 (atypical chemokine receptor 1 (Duffy blood group); plus strand). Cytogenetic location: 1q23.2.
Variant type: single nucleotide variant.
Coding change: c.938G>T on transcript NM_002036.4 (MANE Select); coding-DNA position 938, G replaced by T.
Protein change: p.Arg313Leu; replaces arginine 313 with leucine.
Molecular consequence: missense variant.
Genome position (GRCh38, 1-based): chr1:159,206,377, G>T. VCF-style: chr1-159206377-G-T. GRCh37 (hg19) VCF-style: chr1-159176167-G-T.
Other names: c.944G>T, p.Arg315Leu (NM_001122951.3); short protein forms R313L, R315L.
Identifiers: ClinVar variation 4993085 (VCV004993085.1).

ClinVar aggregate classification (germline): Uncertain significance (1 of 4 stars; one submission).

Conditions:
ACKR1-related disorder. Also called: ACKR1-related condition.

gnomAD v4.1: 37 of 1,614,098 alleles (0.0023%); highest among the groups gnomAD compares: Middle Eastern, 0.066%; no homozygotes.

Submission:

PreventionGenetics, part of Exact Sciences
Classification: Uncertain significance for ACKR1-related condition. Last evaluated: 2025-09-25. Review status: criteria provided, single submitter. Criteria: ACMG Guidelines, 2015. Collection method: clinical testing. Allele origin: germline.
Comment: The ACKR1 c.944G>T variant is predicted to result in the amino acid substitution p.Arg315Leu. To our knowledge, this variant has not been reported in the literature. This variant is reported in 0.0033% of alleles in individuals of South Asian descent in gnomAD. At this time, the clinical significance of this variant is uncertain due to the absence of conclusive functional and genetic evidence.